The following is an entry in ClinVar:

GRCh38/hg38 18q22.1(chr18:66242508-66790270)x1

Gene: CDH19 (cadherin 19; minus strand). Cytogenetic location: 18q22.1.
Variant type: copy number loss.
Change: copy number 1 (one copy instead of two) of chr18:66,242,508-66,790,270 (547.8 kb, GRCh38 coordinates, 1-based), cytogenetic band 18q22.1.
Identifiers: ClinVar variation 57463 (VCV000057463.1).

ClinVar aggregate classification (germline): Uncertain significance (1 of 4 stars; one submission).

Submission:

ISCA site 4
Classification: Uncertain significance. Last evaluated: 2011-08-12. Review status: criteria provided, single submitter. Criteria: Kaminsky et al. (Genet Med. 2011). Collection method: clinical testing. Allele origin: unknown. Affected: yes. Observed: 1 variant allele.
Comment: Copy number variation identified through the course of routine clinical cytogenomic testing in postnatal populations. Clinical assertions have been curated as described in Kaminsky et al. 2011.